The following is an entry in ClinVar:

ClinVar aggregate classification (germline): Uncertain significance (1 of 4 stars; one submission).

Conditions:
Multiple endocrine neoplasia type 4. Also called: MULTIPLE ENDOCRINE NEOPLASIA, TYPE IV. Identifiers: Orphanet 276152, MedGen C1970712, MONDO:0012552, OMIM 610755.

Submissions (2):

Labcorp Genetics (formerly Invitae), Labcorp
Classification: Uncertain significance for Multiple endocrine neoplasia type 4. Last evaluated: 2024-06-30. Review status: criteria provided, single submitter. Criteria: Invitae Variant Classification Sherloc (09022015). Collection method: clinical testing. Allele origin: germline.
Comment: This sequence change affects a donor splice site in intron 1 of the CDKN1B gene. While this variant is not anticipated to result in nonsense mediated decay, it likely alters RNA splicing and results in a disrupted protein product. This variant is not present in population databases (gnomAD no frequency). This variant has not been reported in the literature in individuals affected with CDKN1B-related conditions. ClinVar contains an entry for this variant (Variation ID: 635364). Variants that disrupt the consensus splice site are a relatively common cause of aberrant splicing (PMID: 17576681, 9536098). Studies have shown that disruption of this splice site is associated with inconclusive levels of altered splicing (Invitae). In summary, the available evidence is currently insufficient to determine the role of this variant in disease. Therefore, it has been classified as a Variant of Uncertain Significance.

MutSpliceDB: a database of splice sites variants effects on splicing, NIH
No classification provided (evidence only). Review status: no classification provided. Collection method: in vitro. Allele origin: not applicable. Functional consequence: retained intron. Not counted in ClinVar's aggregate classification.

Literature cited by the submitters: PubMed 17576681 (cited by Labcorp Genetics (formerly Invitae), Labcorp); PubMed 9536098 (cited by Labcorp Genetics (formerly Invitae), Labcorp).

NM_004064.5(CDKN1B):c.475+1G>A

Gene: CDKN1B (cyclin dependent kinase inhibitor 1B; plus strand). Cytogenetic location: 12p13.1.
Variant type: single nucleotide variant.
Coding change: c.475+1G>A on transcript NM_004064.5 (MANE Select); the canonical splice donor site of the intron after coding-DNA position 475, G replaced by A.
Molecular consequence: splice donor variant.
Genome position (GRCh38, 1-based): chr12:12,718,315, G>A. VCF-style: chr12-12718315-G-A. GRCh37 (hg19) VCF-style: chr12-12871249-G-A.
Identifiers: ClinVar variation 635364 (VCV000635364.9), dbSNP rs1174921391, ClinGen allele CA383971039.